The following is an entry in ClinVar:

ClinVar aggregate classification (germline): Uncertain significance (1 of 4 stars; one submission).

Conditions:
Niemann-Pick disease, type C1. Also called: NIEMANN-PICK DISEASE, VARIANT TYPE C1; NEUROVISCERAL STORAGE DISEASE WITH VERTICAL SUPRANUCLEAR OPHTHALMOPLEGIA; NIEMANN-PICK DISEASE WITH CHOLESTEROL ESTERIFICATION BLOCK; NIEMANN-PICK DISEASE WITHOUT SPHINGOMYELINASE DEFICIENCY; NIEMANN-PICK DISEASE, CHRONIC NEURONOPATHIC FORM. Identifiers: Orphanet 646, MedGen C3179455, MONDO:0009757, OMIM 257220.

Allele frequency attached by ClinVar (database versions not stated): gnomAD exomes below 0.00001; TOPMed below 0.00001.
gnomAD v4.1: 2 of 1,320,222 alleles (0.00015%); highest among the groups gnomAD compares: Non-Finnish European, 0.00021%; no homozygotes.

Submission:

Labcorp Genetics (formerly Invitae), Labcorp
Classification: Uncertain significance for Niemann-Pick disease, type C1. Last evaluated: 2021-08-28. Review status: criteria provided, single submitter. Criteria: Invitae Variant Classification Sherloc (09022015). Collection method: clinical testing. Allele origin: germline.
Comment: This sequence change replaces methionine with threonine at codon 642 of the NPC1 protein (p.Met642Thr). The methionine residue is weakly conserved and there is a moderate physicochemical difference between methionine and threonine. This variant is not present in population databases (ExAC no frequency). This variant has not been reported in the literature in individuals affected with NPC1-related conditions. Advanced modeling of protein sequence and biophysical properties (such as structural, functional, and spatial information, amino acid conservation, physicochemical variation, residue mobility, and thermodynamic stability) performed at Invitae indicates that this missense variant is not expected to disrupt NPC1 protein function. In summary, the available evidence is currently insufficient to determine the role of this variant in disease. Therefore, it has been classified as a Variant of Uncertain Significance.

NM_000271.5(NPC1):c.1925T>C (p.Met642Thr)

Gene: NPC1 (NPC intracellular cholesterol transporter 1; minus strand). Cytogenetic location: 18q11.2.
Variant type: single nucleotide variant.
Coding change: c.1925T>C on transcript NM_000271.5 (MANE Select); coding-DNA position 1925, T replaced by C.
Protein change: p.Met642Thr; replaces methionine 642 with threonine.
Molecular consequence: missense variant.
Genome position (GRCh38, 1-based): chr18:23,544,982, A>G on the plus strand (T>C on the coding strand, the complement: NPC1 is on the minus strand). VCF-style: chr18-23544982-A-G. GRCh37 (hg19) VCF-style: chr18-21124946-A-G.
Other names: short protein forms M642T.
Identifiers: ClinVar variation 1495100 (VCV001495100.5), dbSNP rs1342552552, ClinGen allele CA401772180.